The following is an entry in ClinVar:

ClinVar aggregate classification (germline): Uncertain significance. Review status: criteria provided, multiple submitters, no conflicts (2 of 4 stars). 2 submissions from 2 submitters: Uncertain significance (2). Last evaluated 2024-08-27.

gnomAD v4.1: 2 of 1,612,540 alleles (0.00012%); highest among the groups gnomAD compares: Non-Finnish European, 0.00017%; no homozygotes.

Submissions (2):

Ambry Genetics
Classification: Uncertain significance. Last evaluated: 2024-08-27. Review status: criteria provided, single submitter. Criteria: Ambry Variant Classification Scheme 2023. Collection method: clinical testing. Allele origin: germline.

GeneDx
Classification: Uncertain significance. Last evaluated: 2023-06-16. Review status: criteria provided, single submitter. Criteria: GeneDx Variant Classification Process June 2021. Collection method: clinical testing. Allele origin: germline. Affected: yes.
Comment: In silico analysis supports that this missense variant has a deleterious effect on protein structure/function; Has not been previously published as pathogenic or benign to our knowledge

NM_002948.5(RPL15):c.182T>C (p.Ile61Thr)

Genes: NKIRAS1 (NFKB inhibitor interacting Ras like 1; minus strand), RPL15 (ribosomal protein L15; plus strand). Cytogenetic location: 3p24.2.
Variant type: single nucleotide variant.
Coding change: c.182T>C on transcript NM_002948.5 (MANE Select); coding-DNA position 182, T replaced by C.
Protein change: p.Ile61Thr; replaces isoleucine 61 with threonine.
Molecular consequence: missense variant. On other transcripts: intron variant (1).
Genome position (GRCh38, 1-based): chr3:23,918,449, T>C. VCF-style: chr3-23918449-T-C. GRCh37 (hg19) VCF-style: chr3-23959940-T-C.
Other names: c.182T>C, p.Ile61Thr (NM_001253379.2, NM_001253380.2, NM_001253382.2 and 2 more transcripts); c.-139-6999A>G (NM_001377380.1); short protein forms I61T.
Identifiers: ClinVar variation 3359767 (VCV003359767.2).